The following is an entry in ClinVar:

ClinVar aggregate classification (germline): Likely benign (1 of 4 stars; one submission).

Conditions:
PHF6-related disorder. Also called: PHF6-related condition.

gnomAD v4.1: 23 of 1,166,343 alleles (0.002%); highest among the groups gnomAD compares: Non-Finnish European, 0.0026%; no homozygotes.

Submission:

PreventionGenetics, part of Exact Sciences
Classification: Likely benign for PHF6-related condition. Last evaluated: 2025-07-22. Review status: criteria provided, single submitter. Criteria: ACMG Guidelines, 2015. Collection method: clinical testing. Allele origin: germline.
Comment: This variant is classified as likely benign based on ACMG/AMP sequence variant interpretation guidelines (Richards et al. 2015 PMID: 25741868, with internal and published modifications).

NM_001015877.2(PHF6):c.834+107T>C

Gene: PHF6 (PHD finger protein 6; plus strand). Cytogenetic location: Xq26.2.
Variant type: single nucleotide variant.
Coding change: c.834+107T>C on transcript NM_001015877.2 (MANE Select); 107 bases into the intron after coding-DNA position 834, T replaced by C.
Molecular consequence: intron variant. On other transcripts: 3 prime UTR variant (1).
Genome position (GRCh38, 1-based): chrX:134,415,227, T>C. VCF-style: chrX-134415227-T-C. GRCh37 (hg19) VCF-style: chrX-133549257-T-C.
Other names: c.*5T>C (NM_032335.3); c.834+107T>C (NM_032458.3).
Identifiers: ClinVar variation 4990782 (VCV004990782.1).
Genomic context (GRCh38, chrX:134,415,227, plus strand): 5'-GCTTTAAATTTAGAGTACATCCCAAATTTATCCAGTCATCAGAAAATTTAAAGTAGTTCG[T>C]ATGTTAAAGCAAAGTATATATTTGACTTATTTGTAATATAATAAAGGATGCTGATGTTAC-3'